The following is an entry in ClinVar:

NM_022765.4(MICAL1):c.2911G>T (p.Val971Leu)

Gene: MICAL1 (microtubule associated monooxygenase, calponin and LIM domain containing 1; minus strand). Cytogenetic location: 6q21.
Variant type: single nucleotide variant.
Coding change: c.2911G>T on transcript NM_022765.4 (MANE Select); coding-DNA position 2911, G replaced by T.
Protein change: p.Val971Leu; replaces valine 971 with leucine.
Molecular consequence: missense variant.
Genome position (GRCh38, 1-based): chr6:109,444,966, C>A on the plus strand (G>T on the coding strand, the complement: MICAL1 is on the minus strand). VCF-style: chr6-109444966-C-A. GRCh37 (hg19) VCF-style: chr6-109766169-C-A.
Other names: c.2653G>T, p.Val885Leu (NM_001159291.2); c.2968G>T, p.Val990Leu (NM_001286613.2); short protein forms V885L, V971L, V990L.
Identifiers: ClinVar variation 2815577 (VCV002815577.3), dbSNP rs2482766362, ClinGen allele CA365221276.

ClinVar aggregate classification (germline): Uncertain significance (1 of 4 stars; one submission).

gnomAD v4.1: 1 of 1,614,038 alleles (0.000062%); no homozygotes.

Submission:

Labcorp Genetics (formerly Invitae), Labcorp
Classification: Uncertain significance. Last evaluated: 2023-01-23. Review status: criteria provided, single submitter. Criteria: Invitae Variant Classification Sherloc (09022015). Collection method: clinical testing. Allele origin: germline.
Comment: This variant is not present in population databases (gnomAD no frequency). In summary, the available evidence is currently insufficient to determine the role of this variant in disease. Therefore, it has been classified as a Variant of Uncertain Significance. Algorithms developed to predict the effect of missense changes on protein structure and function output the following: SIFT: "Tolerated"; PolyPhen-2: "Benign"; Align-GVGD: "Class C0". The leucine amino acid residue is found in multiple mammalian species, which suggests that this missense change does not adversely affect protein function. This variant has not been reported in the literature in individuals affected with MICAL1-related conditions. This sequence change replaces valine, which is neutral and non-polar, with leucine, which is neutral and non-polar, at codon 990 of the MICAL1 protein (p.Val990Leu).